The following is an entry in ClinVar:

ClinVar aggregate classification (germline): Uncertain significance (1 of 4 stars; one submission).

Conditions:
Immunodeficiency 51 (IMD51). Also called: CANDIDIASIS, FAMILIAL, 5. Identifiers: Orphanet 1334, MedGen C4310803, MONDO:0013500, OMIM 613953.

Allele frequency attached by ClinVar (database versions not stated): TOPMed below 0.00001; gnomAD 0.00001.
gnomAD v4.1: 3 of 1,608,886 alleles (0.00019%); highest among the groups gnomAD compares: Non-Finnish European, 0.00025%; no homozygotes.

Submission:

Labcorp Genetics (formerly Invitae), Labcorp
Classification: Uncertain significance for Immunodeficiency 51. Last evaluated: 2021-07-22. Review status: criteria provided, single submitter. Criteria: Invitae Variant Classification Sherloc (09022015). Collection method: clinical testing. Allele origin: germline.
Comment: In summary, the available evidence is currently insufficient to determine the role of this variant in disease. Therefore, it has been classified as a Variant of Uncertain Significance. Algorithms developed to predict the effect of missense changes on protein structure and function output the following: SIFT: "Tolerated"; PolyPhen-2: "Benign"; Align-GVGD: "Class C0". The glutamine amino acid residue is found in multiple mammalian species, suggesting that this missense change does not adversely affect protein function. These predictions have not been confirmed by published functional studies and their clinical significance is uncertain. This variant has not been reported in the literature in individuals with IL17RA-related conditions. This variant is not present in population databases (ExAC no frequency). This sequence change replaces arginine with glutamine at codon 575 of the IL17RA protein (p.Arg575Gln). The arginine residue is moderately conserved and there is a small physicochemical difference between arginine and glutamine.

NM_014339.7(IL17RA):c.1724G>A (p.Arg575Gln)

Gene: IL17RA (interleukin 17 receptor A; plus strand). Cytogenetic location: 22q11.1.
Variant type: single nucleotide variant.
Coding change: c.1724G>A on transcript NM_014339.7 (MANE Select); coding-DNA position 1724, G replaced by A.
Protein change: p.Arg575Gln; replaces arginine 575 with glutamine.
Molecular consequence: missense variant.
Genome position (GRCh38, 1-based): chr22:17,108,943, G>A. VCF-style: chr22-17108943-G-A. GRCh37 (hg19) VCF-style: chr22-17589833-G-A.
Other names: c.1622G>A, p.Arg541Gln (NM_001289905.2); short protein forms R541Q, R575Q.
Identifiers: ClinVar variation 935556 (VCV000935556.9), dbSNP rs1285581737, ClinGen allele CA410218663.